The following is an entry in ClinVar:

ClinVar aggregate classification (germline): Uncertain significance (1 of 4 stars; one submission).

gnomAD v4.1: 3 of 1,606,144 alleles (0.00019%); highest among the groups gnomAD compares: African/African-American, 0.0013%; no homozygotes.

Submission:

CeGaT Center for Human Genetics Tuebingen
Classification: Uncertain significance. Last evaluated: 2026-02-01. Review status: criteria provided, single submitter. Criteria: CeGaT Center For Human Genetics Tuebingen Variant Classification Criteria Version 2. Collection method: clinical testing. Allele origin: germline. Affected: yes. Observed: 1 variant allele.
Comment: PDE10A: PM2

NM_001385079.1(PDE10A):c.2929A>G (p.Ile977Val)

Gene: PDE10A (phosphodiesterase 10A; minus strand). Cytogenetic location: 6q27.
Variant type: single nucleotide variant.
Coding change: c.2929A>G on transcript NM_001385079.1 (MANE Select); coding-DNA position 2929, A replaced by G.
Protein change: p.Ile977Val; replaces isoleucine 977 with valine.
Molecular consequence: missense variant.
Genome position (GRCh38, 1-based): chr6:165,339,325, T>C on the plus strand (A>G on the coding strand, the complement: PDE10A is on the minus strand). VCF-style: chr6-165339325-T-C. GRCh37 (hg19) VCF-style: chr6-165752814-T-C.
Other names: c.2131A>G, p.Ile711Val (NM_001130690.3); c.2101A>G, p.Ile701Val (NM_006661.4); short protein forms I701V, I711V, I977V.
Identifiers: ClinVar variation 4823238 (VCV004823238.4).